The following is an entry in ClinVar:

ClinVar aggregate classification (germline): Likely pathogenic (1 of 4 stars; one submission).

Conditions:
EGFR-related lung cancer (EGFR). Identifiers: MedGen CN130014.

Submission:

Labcorp Genetics (formerly Invitae), Labcorp
Classification: Likely pathogenic for EGFR-related lung cancer. Last evaluated: 2025-01-19. Review status: criteria provided, single submitter. Criteria: Invitae Variant Classification Sherloc (09022015). Collection method: clinical testing. Allele origin: germline.
Comment: This variant results in the deletion of part of exon 21 (c.2555_2626-421del) of the EGFR gene. It is expected to disrupt RNA splicing. Variants that disrupt the donor or acceptor splice site typically lead to a loss of protein function (PMID: 16199547), and loss-of-function variants in EGFR are known to be pathogenic (PMID: 7630400, 28726809, 29899996). This variant is not present in population databases (gnomAD no frequency). This variant has not been reported in the literature in individuals affected with EGFR-related conditions. In summary, the currently available evidence indicates that the variant is pathogenic, but additional data are needed to prove that conclusively. Therefore, this variant has been classified as Likely Pathogenic.

Literature cited by the submitters: PubMed 16199547; PubMed 7630400; PubMed 28726809; PubMed 29899996.

NM_005228.5(EGFR):c.2555_2626-421del

Gene: EGFR (epidermal growth factor receptor; plus strand). Cytogenetic location: 7p11.2.
Variant type: Deletion.
Coding change: c.2555_2626-421del on transcript NM_005228.5 (MANE Select); coding-DNA position 2555 through 421 bases into the intron before coding-DNA position 2626, 542 bases deleted.
Molecular consequence: splice donor variant.
Genome position (GRCh38, 1-based): chr7:55,191,804-55,192,345, 542 bases deleted. GRCh37 (hg19): chr7:55,259,497-55,260,038.
Other names: c.2420_2491-421del (NM_001346899.2, NM_001346897.2); c.1754_1825-421del (NM_001346941.2); c.2555_2626-421del (NM_001346898.2); c.2396_2467-421del (NM_001346900.2).
Identifiers: ClinVar variation 4711727 (VCV004711727.1).